The following is an entry in ClinVar:

ClinVar aggregate classification (germline): Uncertain significance (1 of 4 stars; one submission).

Allele frequency attached by ClinVar (database versions not stated): gnomAD 0.00003; ExAC 0.00037; gnomAD exomes 0.00009; TOPMed 0.00002.

Submission:

Labcorp Genetics (formerly Invitae), Labcorp
Classification: Uncertain significance. Last evaluated: 2022-08-23. Review status: criteria provided, single submitter. Criteria: Invitae Variant Classification Sherloc (09022015). Collection method: clinical testing. Allele origin: germline.
Comment: In summary, the available evidence is currently insufficient to determine the role of this variant in disease. Therefore, it has been classified as a Variant of Uncertain Significance. This sequence change replaces arginine, which is basic and polar, with histidine, which is basic and polar, at codon 84 of the XYLT2 protein (p.Arg84His). This variant is present in population databases (rs766625947, gnomAD 0.03%). This variant has not been reported in the literature in individuals affected with XYLT2-related conditions. ClinVar contains an entry for this variant (Variation ID: 1371349). Algorithms developed to predict the effect of missense changes on protein structure and function are either unavailable or do not agree on the potential impact of this missense change (SIFT: "Deleterious"; PolyPhen-2: "Probably Damaging"; Align-GVGD: "Class C0").

NM_022167.4(XYLT2):c.251G>A (p.Arg84His)

Gene: XYLT2 (xylosyltransferase 2; plus strand). Cytogenetic location: 17q21.33.
Variant type: single nucleotide variant.
Coding change: c.251G>A on transcript NM_022167.4 (MANE Select); coding-DNA position 251, G replaced by A.
Protein change: p.Arg84His; replaces arginine 84 with histidine.
Molecular consequence: missense variant.
Genome position (GRCh38, 1-based): chr17:50,353,745, G>A. VCF-style: chr17-50353745-G-A. GRCh37 (hg19) VCF-style: chr17-48431106-G-A.
Other names: short protein forms R84H.
Identifiers: ClinVar variation 1371349 (VCV001371349.6), dbSNP rs766625947, ClinGen allele CA8646118.